The following is an entry in ClinVar:

ClinVar aggregate classification (germline): Uncertain significance (1 of 4 stars; one submission).

Conditions:
Familial benign pemphigus (HHD). Identifiers: Orphanet 2841, MedGen C0085106, MONDO:0008218, OMIM 169600.

Allele frequency attached by ClinVar (database versions not stated): gnomAD exomes below 0.00001; TOPMed below 0.00001; ExAC 0.00001; gnomAD 0.00001.
gnomAD v4.1: 4 of 1,613,492 alleles (0.00025%); highest among the groups gnomAD compares: Non-Finnish European, 0.00034%; no homozygotes.

Submission:

Illumina Laboratory Services, Illumina
Classification: Uncertain significance for Familial benign pemphigus. Last evaluated: 2017-04-27. Review status: criteria provided, single submitter. Criteria: ICSL Variant Classification Criteria 13 December 2019. Collection method: clinical testing. Allele origin: germline.
Comment: This variant was observed as part of a predisposition screen in an ostensibly healthy population. A literature search was performed for the gene, cDNA change, and amino acid change (where applicable). Publications were found based on this search. However, the evidence from the literature, in combination with allele frequency data from public databases where available, was not sufficient to rule this variant in or out of causing disease. Therefore, this variant is classified as a variant of unknown significance.

Literature cited by the submitters: PubMed 21883398.

NM_001378687.1(ATP2C1):c.2557A>G (p.Met853Val)

Gene: ATP2C1 (ATPase secretory pathway Ca2+ transporting 1; plus strand). Cytogenetic location: 3q22.1.
Variant type: single nucleotide variant.
Coding change: c.2557A>G on transcript NM_001378687.1 (MANE Select); coding-DNA position 2557, A replaced by G.
Protein change: p.Met853Val; replaces methionine 853 with valine.
Molecular consequence: missense variant.
Genome position (GRCh38, 1-based): chr3:130,999,587, A>G. VCF-style: chr3-130999587-A-G. GRCh37 (hg19) VCF-style: chr3-130718431-A-G.
Other names: c.2557A>G, p.Met853Val (NM_001001485.3, NM_001001486.2, NM_001001487.2 and 5 more transcripts); c.2659A>G, p.Met887Val (NM_001199180.2, NM_001199181.3, NM_001378511.1); c.2542A>G, p.Met848Val (NM_001199182.2); c.2509A>G, p.Met837Val (NM_001199183.2, NM_001199184.3, NM_001378514.1); short protein forms M848V, M837V, M853V, M887V.
Identifiers: ClinVar variation 903305 (VCV000903305.4), dbSNP rs765124724, ClinGen allele CA2615404.